The following is an entry in ClinVar:

NM_015213.4(DENND5A):c.1951A>G (p.Ile651Val)

Gene: DENND5A (DENN domain containing 5A; minus strand). Cytogenetic location: 11p15.4.
Variant type: single nucleotide variant.
Coding change: c.1951A>G on transcript NM_015213.4 (MANE Select); coding-DNA position 1951, A replaced by G.
Protein change: p.Ile651Val; replaces isoleucine 651 with valine.
Molecular consequence: missense variant. On other transcripts: non-coding transcript variant (1).
Genome position (GRCh38, 1-based): chr11:9,170,733, T>C on the plus strand (A>G on the coding strand, the complement: DENND5A is on the minus strand). VCF-style: chr11-9170733-T-C. GRCh37 (hg19) VCF-style: chr11-9192280-T-C.
Other names: c.1951A>G, p.Ile651Val (NM_001243254.2, NM_001348748.1); c.1879A>G, p.Ile627Val (NM_001348749.2); c.1663A>G, p.Ile555Val (NM_001348750.2); c.1951A>G (NM_015213.3); short protein forms I651V, I555V, I627V.
Identifiers: ClinVar variation 2148952 (VCV002148952.2), dbSNP rs766374994, ClinGen allele CA5877468.

ClinVar aggregate classification (germline): Conflicting classifications of pathogenicity. Review status: criteria provided, conflicting classifications (1 of 4 stars). 2 submissions from 2 submitters: Uncertain significance (1); Likely benign (1). Last evaluated 2025-12-08.

Conditions:
Inborn genetic diseases. Identifiers: MedGen C0950123, MeSH D030342.

Allele frequency attached by ClinVar (database versions not stated): gnomAD exomes 0.00001; TOPMed 0.00003; ExAC 0.00002; gnomAD 0.00004.
gnomAD v4.1: 21 of 1,613,810 alleles (0.0013%); highest among the groups gnomAD compares: African/African-American, 0.008%; no homozygotes.

Submissions (2):

Ambry Genetics
Classification: Likely benign for Inborn genetic diseases. Last evaluated: 2025-12-08. Review status: criteria provided, single submitter. Criteria: Ambry Variant Classification Scheme 2023. Collection method: clinical testing. Allele origin: germline.

Labcorp Genetics (formerly Invitae), Labcorp
Classification: Uncertain significance. Last evaluated: 2022-10-17. Review status: criteria provided, single submitter. Criteria: Invitae Variant Classification Sherloc (09022015). Collection method: clinical testing. Allele origin: germline.
Comment: This sequence change replaces isoleucine, which is neutral and non-polar, with valine, which is neutral and non-polar, at codon 651 of the DENND5A protein (p.Ile651Val). This variant is present in population databases (rs766374994, gnomAD 0.004%). This variant has not been reported in the literature in individuals affected with DENND5A-related conditions. Advanced modeling of protein sequence and biophysical properties (such as structural, functional, and spatial information, amino acid conservation, physicochemical variation, residue mobility, and thermodynamic stability) performed at Invitae indicates that this missense variant is not expected to disrupt DENND5A protein function. In summary, the available evidence is currently insufficient to determine the role of this variant in disease. Therefore, it has been classified as a Variant of Uncertain Significance.